The following is an entry in ClinVar:

NM_016239.4(MYO15A):c.467T>C (p.Val156Ala)

Gene: MYO15A (myosin XVA; plus strand). Cytogenetic location: 17p11.2.
Variant type: single nucleotide variant.
Coding change: c.467T>C on transcript NM_016239.4 (MANE Select); coding-DNA position 467, T replaced by C.
Protein change: p.Val156Ala; replaces valine 156 with alanine.
Molecular consequence: missense variant.
Genome position (GRCh38, 1-based): chr17:18,119,267, T>C. VCF-style: chr17-18119267-T-C. GRCh37 (hg19) VCF-style: chr17-18022581-T-C.
Other names: short protein forms V156A.
Identifiers: ClinVar variation 228955 (VCV000228955.14), dbSNP rs761670755, ClinGen allele CA8422847.

ClinVar aggregate classification (germline): Conflicting classifications of pathogenicity. Review status: criteria provided, conflicting classifications (1 of 4 stars). 4 submissions from 4 submitters: Uncertain significance (3); Likely benign (1). Last evaluated 2026-04-01.

Conditions:
Inborn genetic diseases. Identifiers: MedGen C0950123, MeSH D030342.

Allele frequency attached by ClinVar (database versions not stated): gnomAD exomes 0.00010 and 0.00003; TOPMed 0.00009; ExAC 0.00004; gnomAD 0.00006.

Submissions (4):

GeneDx
Classification: Uncertain significance. Last evaluated: 2026-04-01. Review status: criteria provided, single submitter. Criteria: GeneDx Variant Classification Process June 2021. Collection method: clinical testing. Allele origin: germline.
Comment: In silico analysis suggests that this missense variant does not alter protein structure/function; Has not been previously published as pathogenic or benign to our knowledge

Labcorp Genetics (formerly Invitae), Labcorp
Classification: Likely benign. Last evaluated: 2025-02-17. Review status: criteria provided, single submitter. Criteria: Invitae Variant Classification Sherloc (09022015). Collection method: clinical testing. Allele origin: germline.

Ambry Genetics
Classification: Uncertain significance for Inborn genetic diseases. Last evaluated: 2024-01-02. Review status: criteria provided, single submitter. Criteria: Ambry Variant Classification Scheme 2023. Collection method: clinical testing. Allele origin: germline.

Laboratory for Molecular Medicine, Mass General Brigham Personalized Medicine
Classification: Uncertain significance. Last evaluated: 2016-01-19. Review status: criteria provided, single submitter. Criteria: LMM Criteria. Collection method: clinical testing. Allele origin: germline. Observed: 1 variant allele.
Comment: The p.Val156Ala variant in MYO15A has not been previously reported in individual s with hearing loss. It has been identified in 3/11266 Latino chromosomes by the Exome Aggregation Consortium (ExAC; dbSNP rs761 670755). Although this variant has been seen in the general population, its freq uency is not high enough to rule out a pathogenic role. Computational predictio n tools and conservation analyses suggest that the p.Val156Ala variant may not i mpact the protein, though this information is not predictive enough to rule out pathogenicity. In summary, the clinical significance of the p.Val156Ala variant is uncertain.